The following is an entry in ClinVar:

ClinVar aggregate classification (germline): Uncertain significance (1 of 4 stars; one submission).

Submission:

Labcorp Genetics (formerly Invitae), Labcorp
Classification: Uncertain significance. Last evaluated: 2022-06-10. Review status: criteria provided, single submitter. Criteria: Invitae Variant Classification Sherloc (09022015). Collection method: clinical testing. Allele origin: germline.
Comment: This sequence change replaces lysine, which is basic and polar, with glutamic acid, which is acidic and polar, at codon 533 of the SCN3A protein (p.Lys533Glu). This variant has not been reported in the literature in individuals affected with SCN3A-related conditions. This variant is not present in population databases (gnomAD no frequency). In summary, the available evidence is currently insufficient to determine the role of this variant in disease. Therefore, it has been classified as a Variant of Uncertain Significance. Algorithms developed to predict the effect of missense changes on protein structure and function are either unavailable or do not agree on the potential impact of this missense change (SIFT: "Deleterious"; PolyPhen-2: "Benign"; Align-GVGD: "Class C0").

NM_006922.4(SCN3A):c.1597A>G (p.Lys533Glu)

Gene: SCN3A (sodium voltage-gated channel alpha subunit 3; minus strand). Cytogenetic location: 2q24.3.
Variant type: single nucleotide variant.
Coding change: c.1597A>G on transcript NM_006922.4 (MANE Select); coding-DNA position 1597, A replaced by G.
Protein change: p.Lys533Glu; replaces lysine 533 with glutamic acid.
Molecular consequence: missense variant.
Genome position (GRCh38, 1-based): chr2:165,146,813, T>C on the plus strand (A>G on the coding strand, the complement: SCN3A is on the minus strand). VCF-style: chr2-165146813-T-C. GRCh37 (hg19) VCF-style: chr2-166003323-T-C.
Other names: c.1597A>G, p.Lys533Glu (NM_001081676.2, NM_001081677.2); short protein forms K533E.
Identifiers: ClinVar variation 2004412 (VCV002004412.4), dbSNP rs2468361823, ClinGen allele CA349236403.